The following is an entry in ClinVar:

NM_001854.4(COL11A1):c.3817-15_3817-13dup

Gene: COL11A1 (collagen type XI alpha 1 chain; minus strand). Cytogenetic location: 1p21.1.
Variant type: Duplication.
Coding change: c.3817-15_3817-13dup on transcript NM_001854.4 (MANE Select); 15 bases into the intron before coding-DNA position 3817 through 13 bases into the intron before coding-DNA position 3817, 3 bases duplicated (TTT; older notation c.3817-15_3817-13dupTTT).
Molecular consequence: intron variant.
Genome position (GRCh38, 1-based): chr1:102,914,824-102,914,826, AAA duplicated on the plus strand (TTT on the coding strand, the reverse complement: COL11A1 is on the minus strand); duplicating any 3 consecutive bases within chr1:102,914,824-102,914,836 gives the same sequence; the c. name uses the placement nearest the transcript's 3' end. VCF-style (leftmost placement, unchanged base first): chr1-102914823-T-TAAA. GRCh37 (hg19) VCF-style: chr1-103380379-T-TAAA.
Other names: c.3817-15_3817-13dupTTT (NM_001854.3); c.3700-15_3700-13dup (NM_001190709.2); c.3853-15_3853-13dup (NM_080629.3); c.3469-15_3469-13dup (NM_080630.4).
Identifiers: ClinVar variation 1554319 (VCV001554319.12), dbSNP rs34228277, ClinGen allele CA973811.

ClinVar aggregate classification (germline): Benign/Likely benign. Review status: criteria provided, multiple submitters, no conflicts (2 of 4 stars). 3 submissions from 3 submitters: Benign (1); Likely benign (1). 1 of the submissions does not count toward it. Last evaluated 2026-01-06.

Conditions:
COL11A1-related disorder. Also called: COL11A1-related condition; COL11A1-related disorders.

Submissions (3):

Labcorp Genetics (formerly Invitae), Labcorp
Classification: Benign. Last evaluated: 2026-01-06. Review status: criteria provided, single submitter. Criteria: Invitae Variant Classification Sherloc (09022015). Collection method: clinical testing. Allele origin: germline.

Blueprint Genetics
Classification: Likely benign. Last evaluated: 2024-11-21. Review status: criteria provided, single submitter. Criteria: ACMG Guidelines, 2015. Collection method: clinical testing. Allele origin: germline.

PreventionGenetics, part of Exact Sciences
Classification: Likely benign for COL11A1-related condition. Last evaluated: 2022-12-06. Review status: no assertion criteria provided. Collection method: clinical testing. Allele origin: germline. Not counted in ClinVar's aggregate classification.
Comment: This variant is classified as likely benign based on ACMG/AMP sequence variant interpretation guidelines (Richards et al. 2015 PMID: 25741868, with internal and published modifications).